The following is an entry in ClinVar:

NM_000059.4(BRCA2):c.5509T>C (p.Phe1837Leu)

Gene: BRCA2 (BRCA2 DNA repair associated; plus strand). Cytogenetic location: 13q13.1.
Variant type: single nucleotide variant.
Coding change: c.5509T>C on transcript NM_000059.4 (MANE Select); coding-DNA position 5509, T replaced by C.
Protein change: p.Phe1837Leu; replaces phenylalanine 1837 with leucine.
Molecular consequence: missense variant.
Genome position (GRCh38, 1-based): chr13:32,339,864, T>C. VCF-style: chr13-32339864-T-C. GRCh37 (hg19) VCF-style: chr13-32914001-T-C.
Other names: c.5509T>C, p.Phe1837Leu (NM_001406719.1, NM_001406720.1); short protein forms F1837L.
Identifiers: ClinVar variation 1999643 (VCV001999643.6), dbSNP rs2137518146, ClinGen allele CA387785832.

ClinVar aggregate classification (germline): Conflicting classifications of pathogenicity. Review status: criteria provided, conflicting classifications (1 of 4 stars). 2 submissions from 2 submitters: Uncertain significance (1); Likely benign (1). Last evaluated 2023-03-23.

Conditions:
Hereditary breast ovarian cancer syndrome. Also called: Breast and ovarian cancer; Hereditary breast and ovarian cancer syndrome; BRCA1- and BRCA2-Associated Hereditary Breast and Ovarian Cancer; Hereditary breast and ovarian cancer syndrome (HBOC); Hereditary breast and/or ovarian cancer syndrome; Hereditary breast and ovarian cancer. Identifiers: Orphanet 145, MedGen C0677776, MeSH D061325, MONDO:0003582. Disease mechanism: loss of function.
Hereditary cancer-predisposing syndrome. Also called: Neoplastic Syndromes, Hereditary; Hereditary neoplastic syndrome; Tumor predisposition; Hereditary Cancer Syndrome. Identifiers: Orphanet 140162, MedGen C0027672, MeSH D009386, MONDO:0015356.

Submissions (2):

University of Washington Department of Laboratory Medicine, University of Washington
Classification: Likely benign for Hereditary cancer-predisposing syndrome. Last evaluated: 2023-03-23. Review status: criteria provided, single submitter. Criteria: Dines et al. (Genet Med. 2020). Collection method: curation. Allele origin: germline.
Comment: Missense variant in a coldspot region where missense variants are very unlikely to be pathogenic (PMID:31911673).

BRCA2 exon 11 coldspot. Reclassification based on statistical prior probability.

Labcorp Genetics (formerly Invitae), Labcorp
Classification: Uncertain significance for Hereditary breast ovarian cancer syndrome. Last evaluated: 2022-05-27. Review status: criteria provided, single submitter. Criteria: Invitae Variant Classification Sherloc (09022015). Collection method: clinical testing. Allele origin: germline.
Comment: This variant is not present in population databases (gnomAD no frequency). This sequence change replaces phenylalanine, which is neutral and non-polar, with leucine, which is neutral and non-polar, at codon 1837 of the BRCA2 protein (p.Phe1837Leu). This variant has not been reported in the literature in individuals affected with BRCA2-related conditions. Advanced modeling of protein sequence and biophysical properties (such as structural, functional, and spatial information, amino acid conservation, physicochemical variation, residue mobility, and thermodynamic stability) performed at Invitae indicates that this missense variant is not expected to disrupt BRCA2 protein function. In summary, the available evidence is currently insufficient to determine the role of this variant in disease. Therefore, it has been classified as a Variant of Uncertain Significance.